The following is an entry in ClinVar:

ClinVar aggregate classification (germline): Conflicting classifications of pathogenicity. Review status: criteria provided, conflicting classifications (1 of 4 stars). 4 submissions from 4 submitters: Uncertain significance (1); Benign (1); Likely benign (1). 1 of the submissions does not count toward it. Last evaluated 2025-12-17.

Conditions:
ANKRD26-related disorder. Also called: ANKRD26-related condition.

Submissions (4):

Labcorp Genetics (formerly Invitae), Labcorp
Classification: Benign. Last evaluated: 2025-12-17. Review status: criteria provided, single submitter. Criteria: Invitae Variant Classification Sherloc (09022015). Collection method: clinical testing. Allele origin: germline.

Blueprint Genetics
Classification: Likely benign. Last evaluated: 2024-11-15. Review status: criteria provided, single submitter. Criteria: ACMG Guidelines, 2015. Collection method: clinical testing. Allele origin: germline.

GeneDx
Classification: Uncertain significance. Last evaluated: 2024-05-28. Review status: criteria provided, single submitter. Criteria: GeneDx Variant Classification Process June 2021. Collection method: clinical testing. Allele origin: germline. Affected: yes.
Comment: In silico analysis indicates that this variant does not alter splicing; Has not been previously published as pathogenic or benign to our knowledge

PreventionGenetics, part of Exact Sciences
Classification: Likely benign for ANKRD26-related condition. Last evaluated: 2019-03-20. Review status: no assertion criteria provided. Collection method: clinical testing. Allele origin: germline. Not counted in ClinVar's aggregate classification.
Comment: This variant is classified as likely benign based on ACMG/AMP sequence variant interpretation guidelines (Richards et al. 2015 PMID: 25741868, with internal and published modifications).

NM_014915.3(ANKRD26):c.1565-4dup

Gene: ANKRD26 (ankyrin repeat domain 26; minus strand). Cytogenetic location: 10p12.1.
Variant type: Duplication.
Coding change: c.1565-4dup on transcript NM_014915.3 (MANE Select); 4 bases into the intron before coding-DNA position 1565, one base duplicated (T; older notation c.1565-4dupT).
Molecular consequence: intron variant.
Genome position (GRCh38, 1-based): chr10:27,053,394, A duplicated on the plus strand (T on the coding strand, the reverse complement: ANKRD26 is on the minus strand); the first of 6 consecutive A bases (chr10:27,053,394-27,053,399); duplicating any one gives the same sequence. VCF-style (leftmost placement, unchanged base first): chr10-27053393-G-GA. GRCh37 (hg19) VCF-style: chr10-27342322-G-GA.
Other names: c.1565-4dup (NM_001256053.2); c.1565-4dupT (NM_014915.2).
Identifiers: ClinVar variation 2170612 (VCV002170612.8), dbSNP rs767365807, ClinGen allele CA5448482.